The following is an entry in ClinVar:

ClinVar aggregate classification (germline): Likely benign (1 of 4 stars; one submission).

Conditions:
Alzheimer disease. Also called: Presenile and senile dementia; Alzheimer's disease. Identifiers: Orphanet 1020, MedGen C0002395, MeSH D000544, MONDO:0004975, HP:0002511.

Allele frequency attached by ClinVar (database versions not stated): 1000 Genomes Project 30x 0.00109; 1000 Genomes Project 0.00120; gnomAD 0.00222 and 0.00231; TOPMed 0.00234; gnomAD exomes 0.00252.
gnomAD v4.1: 715 of 301,724 alleles (0.24%); highest among the groups gnomAD compares: Non-Finnish European, 0.36%; no homozygotes.

Submission:

Illumina Laboratory Services, Illumina
Classification: Likely benign for Alzheimer disease type 1. Last evaluated: 2018-01-13. Review status: criteria provided, single submitter. Criteria: ICSL Variant Classification Criteria 13 December 2019. Collection method: clinical testing. Allele origin: germline.
Comment: This variant was observed in the ICSL laboratory as part of a predisposition screen in an ostensibly healthy population. It had not been previously curated by ICSL or reported in the Human Gene Mutation Database (HGMD: prior to June 1st, 2018), and was therefore a candidate for classification through an automated scoring system. Utilizing variant allele frequency, disease prevalence and penetrance estimates, and inheritance mode, an automated score was calculated to assess if this variant is too frequent to cause the disease. Based on the score and internal cut-off values, a variant classified as likely benign is not then subjected to further curation. The score for this variant resulted in a classification of likely benign for this disease.

NM_000484.4(APP):c.*372A>G

Gene: APP (amyloid beta precursor protein; minus strand). Cytogenetic location: 21q21.3.
Variant type: single nucleotide variant.
Coding change: c.*372A>G on transcript NM_000484.4 (MANE Select); 372 bases downstream of the stop codon, A replaced by G.
Molecular consequence: 3 prime UTR variant.
Genome position (GRCh38, 1-based): chr21:25,881,298, T>C on the plus strand (A>G on the coding strand, the complement: APP is on the minus strand). VCF-style: chr21-25881298-T-C. GRCh37 (hg19) VCF-style: chr21-27253609-T-C.
Other names: c.*372A>G (NM_001136016.3, NM_001136129.3, NM_001136130.3 and 7 more transcripts).
Identifiers: ClinVar variation 896310 (VCV000896310.4), dbSNP rs187940037, ClinGen allele CA319553112.
Genomic context (GRCh38, chr21:25,881,298, plus strand): 5'-AGAGAAGCAGCTGAACTCCCACGTTCACATGAAGCATCCCCCATCGATTCTTAAAGCATA[T>C]GTAAAGTAGGACTTAATTGGGTCACAAACCACAAGAATAATATACAACTGGCTAAGGGGC-3'